The following is an entry in ClinVar:

ClinVar aggregate classification (germline): Conflicting classifications of pathogenicity. Review status: criteria provided, conflicting classifications (1 of 4 stars). 3 submissions from 2 submitters: Uncertain significance (1); Likely benign (2). Last evaluated 2025-01-29.

Conditions:
Congenital myopathy 23 (CMYO23). Also called: NEMALINE MYOPATHY 4; Nemaline myopathy 4, autosomal dominant; CAP MYOPATHY 2. Identifiers: MedGen C1836447, MONDO:0012240, OMIM 609285.
Arthrogryposis, distal, type 1A. Also called: ARTHROGRYPOSIS MULTIPLEX CONGENITA, DISTAL, TYPE I. Identifiers: Orphanet 1146, MedGen C6022280, MONDO:0007157, OMIM 108120.

Allele frequency attached by ClinVar (database versions not stated): gnomAD exomes below 0.00001 and 0.00001; gnomAD 0.00001; TOPMed 0.00001; ExAC 0.00002.
gnomAD v4.1: 18 of 1,614,016 alleles (0.0011%); highest among the groups gnomAD compares: East Asian, 0.0022%; no homozygotes.

Submissions (3):

Labcorp Genetics (formerly Invitae), Labcorp
Classification: Likely benign for Arthrogryposis, distal, type 1A. Last evaluated: 2025-01-29. Review status: criteria provided, single submitter. Criteria: Invitae Variant Classification Sherloc (09022015). Collection method: clinical testing. Allele origin: germline.

Illumina Laboratory Services, Illumina
Classification: Likely benign for Congenital myopathy 23. Last evaluated: 2018-01-12. Review status: criteria provided, single submitter. Criteria: ICSL Variant Classification Criteria 13 December 2019. Collection method: clinical testing. Allele origin: germline.
Comment: This variant was observed in the ICSL laboratory as part of a predisposition screen in an ostensibly healthy population. It had not been previously curated by ICSL or reported in the Human Gene Mutation Database (HGMD: prior to June 1st, 2018), and was therefore a candidate for classification through an automated scoring system. Utilizing variant allele frequency, disease prevalence and penetrance estimates, and inheritance mode, an automated score was calculated to assess if this variant is too frequent to cause the disease. Based on the score and internal cut-off values, a variant classified as likely benign is not then subjected to further curation. The score for this variant resulted in a classification of likely benign for this disease.

Illumina Laboratory Services, Illumina
Classification: Uncertain significance for Arthrogryposis, distal, type 1A. Last evaluated: 2018-01-12. Review status: criteria provided, single submitter. Criteria: ICSL Variant Classification Criteria 13 December 2019. Collection method: clinical testing. Allele origin: germline.

NM_003289.4(TPM2):c.558C>T (p.Ala186=)

Gene: TPM2 (tropomyosin 2; minus strand). Cytogenetic location: 9p13.3.
Variant type: single nucleotide variant.
Coding change: c.558C>T on transcript NM_003289.4 (MANE Select); coding-DNA position 558, C replaced by T.
Protein change: p.Ala186=; no amino-acid change (alanine 186 retained).
Molecular consequence: synonymous variant.
Genome position (GRCh38, 1-based): chr9:35,685,274, G>A on the plus strand (C>T on the coding strand, the complement: TPM2 is on the minus strand). VCF-style: chr9-35685274-G-A. GRCh37 (hg19) VCF-style: chr9-35685271-G-A.
Other names: c.558C>T, p.Ala186= (NM_001301226.2, NM_001301227.2, NM_213674.1).
Identifiers: ClinVar variation 914400 (VCV000914400.8), dbSNP rs746177794, ClinGen allele CA5047332.